The following is an entry in ClinVar:

NM_000152.5(GAA):c.1092G>A (p.Pro364=)

Gene: GAA (alpha glucosidase; plus strand). Cytogenetic location: 17q25.3.
Variant type: single nucleotide variant.
Coding change: c.1092G>A on transcript NM_000152.5 (MANE Select); coding-DNA position 1092, G replaced by A.
Protein change: p.Pro364=; no amino-acid change (proline 364 retained).
Molecular consequence: synonymous variant.
Genome position (GRCh38, 1-based): chr17:80,108,505, G>A. VCF-style: chr17-80108505-G-A. GRCh37 (hg19) VCF-style: chr17-78082304-G-A.
Other names: c.1092G>A, p.Pro364= (NM_001079803.3, NM_001079804.3); c.1092G>A (LRG_673t1).
Identifiers: ClinVar variation 388892 (VCV000388892.10), dbSNP rs777730774, ClinGen allele CA8815167.

ClinVar aggregate classification (germline): Likely benign. Review status: criteria provided, multiple submitters, no conflicts (2 of 4 stars). 2 submissions from 2 submitters: Likely benign (2). Last evaluated 2023-10-16.

Conditions:
Glycogen storage disease, type II (IOPD). Also called: POMPE DISEASE, INFANTILE-ONSET; GLYCOGEN STORAGE DISEASE II, INFANTILE-ONSET; ACID ALPHA-GLUCOSIDASE DEFICIENCY, INFANTILE-ONSET; GAA DEFICIENCY, INFANTILE-ONSET; ACID MALTASE DEFICIENCY, INFANTILE-ONSET; Glucosidase acid-1,4-alpha deficiency. Identifiers: Orphanet 365, MedGen C0017921, MONDO:0009290, OMIM 232300.

Allele frequency attached by ClinVar (database versions not stated): gnomAD exomes below 0.00001; ExAC 0.00001.
gnomAD v4.1: 2 of 1,613,106 alleles (0.00012%); highest among the groups gnomAD compares: Admixed American, 0.0017%; no homozygotes.

Submissions (2):

Labcorp Genetics (formerly Invitae), Labcorp
Classification: Likely benign for Glycogen storage disease, type II. Last evaluated: 2023-10-16. Review status: criteria provided, single submitter. Criteria: Invitae Variant Classification Sherloc (09022015). Collection method: clinical testing. Allele origin: germline.

GeneDx
Classification: Likely benign. Last evaluated: 2016-09-09. Review status: criteria provided, single submitter. Criteria: GeneDx Variant Classification (06012015). Collection method: clinical testing. Allele origin: germline. Affected: yes.
Comment: This variant is considered likely benign or benign based on one or more of the following criteria: it is a conservative change, it occurs at a poorly conserved position in the protein, it is predicted to be benign by multiple in silico algorithms, and/or has population frequency not consistent with disease.